The following is an entry in ClinVar:

NM_000173.7(GP1BA):c.410G>C (p.Arg137Pro)

Gene: GP1BA (glycoprotein Ib platelet subunit alpha; plus strand). Cytogenetic location: 17p13.2.
Variant type: single nucleotide variant.
Coding change: c.410G>C on transcript NM_000173.7 (MANE Select); coding-DNA position 410, G replaced by C.
Protein change: p.Arg137Pro; replaces arginine 137 with proline.
Molecular consequence: missense variant.
Genome position (GRCh38, 1-based): chr17:4,933,014, G>C. VCF-style: chr17-4933014-G-C. GRCh37 (hg19) VCF-style: chr17-4836309-G-C.
Other names: short protein forms R137P.
Identifiers: ClinVar variation 3347741 (VCV003347741.1).

ClinVar aggregate classification (germline): Uncertain significance (0 of 4 stars; one submission).

Conditions:
GP1BA-related disorder. Also called: GP1BA-related condition.

Submission:

PreventionGenetics, part of Exact Sciences
Classification: Uncertain significance for GP1BA-related condition. Last evaluated: 2024-08-26. Review status: no assertion criteria provided. Collection method: clinical testing. Allele origin: germline.
Comment: The GP1BA c.410G>C variant is predicted to result in the amino acid substitution p.Arg137Pro. To our knowledge, this variant has not been reported in the literature or in a large population database, indicating this variant is rare. At this time, the clinical significance of this variant is uncertain due to the absence of conclusive functional and genetic evidence.